The following is an entry in ClinVar:

ClinVar aggregate classification (germline): Conflicting classifications of pathogenicity. Review status: criteria provided, conflicting classifications (1 of 4 stars). 2 submissions from 2 submitters: Uncertain significance (1); Likely benign (1). Last evaluated 2026-06-15.

Conditions:
PDE6B-related disorder. Also called: PDE6B-related disease; PDE6B-related condition; PDE6B-related disorders.

Allele frequency attached by ClinVar (database versions not stated): gnomAD exomes 0.00001; ExAC 0.00002; TOPMed 0.00003; gnomAD 0.00004; ESP Exome Variant Server 0.00008.
gnomAD v4.1: 17 of 1,612,936 alleles (0.0011%); highest among the groups gnomAD compares: Middle Eastern, 0.016%; no homozygotes.

Submissions (2):

PreventionGenetics, part of Exact Sciences
Classification: Uncertain significance for PDE6B-related condition. Last evaluated: 2026-06-15. Review status: criteria provided, single submitter. Criteria: ACMG Guidelines, 2015. Collection method: clinical testing. Allele origin: germline.
Comment: The PDE6B c.1645A>G variant is predicted to result in the amino acid substitution p.Asn549Asp. To our knowledge, this variant has not been reported in the literature. This variant is reported in 0.020% of alleles in individuals of African descent in gnomAD. At this time, the clinical significance of this variant is uncertain due to the absence of conclusive functional and genetic evidence.

Labcorp Genetics (formerly Invitae), Labcorp
Classification: Likely benign. Last evaluated: 2023-08-10. Review status: criteria provided, single submitter. Criteria: Invitae Variant Classification Sherloc (09022015). Collection method: clinical testing. Allele origin: germline.

NM_000283.4(PDE6B):c.2547A>G (p.Ser849=)

Gene: PDE6B (phosphodiesterase 6B; plus strand). Cytogenetic location: 4p16.3.
Variant type: single nucleotide variant.
Coding change: c.2547A>G on transcript NM_000283.4 (MANE Select); coding-DNA position 2547, A replaced by G.
Protein change: p.Ser849=; no amino-acid change (serine 849 retained).
Molecular consequence: synonymous variant. On other transcripts: missense variant (2).
Genome position (GRCh38, 1-based): chr4:670,089, A>G. VCF-style: chr4-670089-A-G. GRCh37 (hg19) VCF-style: chr4-663878-A-G.
Other names: c.1645A>G (NM_001350154.1); c.2544A>G, p.Ser848= (NM_001145291.2); c.1710A>G, p.Ser570= (NM_001145292.2, NM_001379246.1, NM_001379247.1); c.1645A>G, p.Asn549Asp (NM_001350154.3); c.1327A>G, p.Asn443Asp (NM_001350155.3); short protein forms N443D, N549D.
Identifiers: ClinVar variation 1984327 (VCV001984327.5), dbSNP rs137864502, ClinGen allele CA2795113.